The following is an entry in ClinVar:

ClinVar aggregate classification (germline): Benign (1 of 4 stars; one submission).

Allele frequency attached by ClinVar (database versions not stated): ExAC 0.00233; gnomAD 0.00916; gnomAD exomes 0.01028; TOPMed 0.01637; 1000 Genomes Project 0.02017; 1000 Genomes Project 30x 0.02092.
gnomAD v4.1: 7,343 of 731,078 alleles (1%); highest among the groups gnomAD compares: Admixed American, 10%; 394 homozygotes.

Submission:

Unidad de Genómica Garrahan, Hospital de Pediatría Garrahan
Classification: Benign. Last evaluated: 2023-11-12. Review status: criteria provided, single submitter. Criteria: ACMG Guidelines, 2015. Collection method: clinical testing. Allele origin: germline. Affected: no. Observed: 19 variant alleles.
Comment: This variant is classified as Benign based on local population frequency. This variant was detected in 20% of patients studied by a panel of primary immunodeficiencies. Number of patients: 19. Only high quality variants are reported.

NM_001556.3(IKBKB):c.*239C>A

Gene: IKBKB (inhibitor of nuclear factor kappa B kinase subunit beta; plus strand). Cytogenetic location: 8p11.21.
Variant type: single nucleotide variant.
Coding change: c.*239C>A on transcript NM_001556.3 (MANE Select); 239 bases downstream of the stop codon, C replaced by A.
Molecular consequence: 3 prime UTR variant. On other transcripts: non-coding transcript variant (3).
Genome position (GRCh38, 1-based): chr8:42,331,218, C>A. VCF-style: chr8-42331218-C-A. GRCh37 (hg19) VCF-style: chr8-42188736-C-A.
Other names: c.*239C>A (NM_001190720.3, NM_001242778.2).
Identifiers: ClinVar variation 2628310 (VCV002628310.2), dbSNP rs70958394, ClinGen allele CA4732260.
Genomic context (GRCh38, chr8:42,331,218, plus strand): 5'-GATGGAGCTCTCGCTTCCTCAGCAGCTGTGACTTTCACCCAGGACCCAGGACGCAGCCCT[C>A]CGTGGGCACTGCCGGCGCCTTGTCTGCACACTGGAGGTCCTCCATTACAGAGGCCCAGCG-3'